The following is an entry in ClinVar:

ClinVar aggregate classification (germline): Uncertain significance (1 of 4 stars; one submission).

Conditions:
Hereditary sensory neuropathy-deafness-dementia syndrome. Also called: HSN IE; NEUROPATHY, HEREDITARY SENSORY, WITH HEARING LOSS AND DEMENTIA; Hereditary Sensory and Autonomic Neuropathy Type 1E (HSAN1E); Hereditary sensory neuropathy type IE. Identifiers: Orphanet 456318, MedGen C3279885, MONDO:0013584, OMIM 614116.

Submission:

Labcorp Genetics (formerly Invitae), Labcorp
Classification: Uncertain significance for Hereditary sensory neuropathy-deafness-dementia syndrome. Last evaluated: 2024-02-09. Review status: criteria provided, single submitter. Criteria: Invitae Variant Classification Sherloc (09022015). Collection method: clinical testing. Allele origin: germline.
Comment: This sequence change replaces histidine, which is basic and polar, with arginine, which is basic and polar, at codon 622 of the DNMT1 protein (p.His622Arg). This variant is not present in population databases (gnomAD no frequency). This variant has not been reported in the literature in individuals affected with DNMT1-related conditions. Advanced modeling of protein sequence and biophysical properties (such as structural, functional, and spatial information, amino acid conservation, physicochemical variation, residue mobility, and thermodynamic stability) performed at Invitae indicates that this missense variant is not expected to disrupt DNMT1 protein function with a negative predictive value of 80%. In summary, the available evidence is currently insufficient to determine the role of this variant in disease. Therefore, it has been classified as a Variant of Uncertain Significance.

NM_001130823.3(DNMT1):c.1865A>G (p.His622Arg)

Gene: DNMT1 (DNA methyltransferase 1; minus strand). Cytogenetic location: 19p13.2.
Variant type: single nucleotide variant.
Coding change: c.1865A>G on transcript NM_001130823.3 (MANE Select); coding-DNA position 1865, A replaced by G.
Protein change: p.His622Arg; replaces histidine 622 with arginine.
Molecular consequence: missense variant.
Genome position (GRCh38, 1-based): chr19:10,154,447, T>C on the plus strand (A>G on the coding strand, the complement: DNMT1 is on the minus strand). VCF-style: chr19-10154447-T-C. GRCh37 (hg19) VCF-style: chr19-10265123-T-C.
Other names: c.1817A>G, p.His606Arg (NM_001379.4, NM_001318730.2); c.1502A>G, p.His501Arg (NM_001318731.2); short protein forms H606R, H622R, H501R.
Identifiers: ClinVar variation 3631742 (VCV003631742.2).